The following is an entry in ClinVar:

ClinVar aggregate classification (germline): Pathogenic. Review status: reviewed by expert panel (3 of 4 stars). 12 submissions from 12 submitters: Pathogenic (1). 11 of the submissions do not count toward it. Last evaluated 2018-07-28.

Conditions:
PAH-related disorder. Also called: PAH-related condition.
Phenylketonuria (PKU). Also called: Phenylketonuria (PKU); Phenylketonurias; OLIGOPHRENIA PHENYLPYRUVICA; FOLLING DISEASE. Identifiers: Orphanet 716, MedGen C0031485, MONDO:0009861, OMIM 261600. Disease mechanism: loss of function.

Allele frequency attached by ClinVar (database versions not stated): TOPMed 0.00001; gnomAD exomes below 0.00001.
gnomAD v4.1: 5 of 1,613,552 alleles (0.00031%); highest among the groups gnomAD compares: East Asian, 0.011%; no homozygotes.

Submissions (12):

ClinGen PAH Variant Curation Expert Panel
Classification: Pathogenic for Phenylketonuria. Last evaluated: 2018-07-28. Review status: reviewed by expert panel. Criteria: ClinGen PAH ACMG Specifications v1. Collection method: curation. Allele origin: germline. Inheritance: Autosomal recessive inheritance.
Comment: The c.1197A>T (p.Val399=) variant in PAH has been reported on 7 alleles of PKU patients (BH4 deficiency excluded). (PP4_Moderate; PMID: 23271928; PMID: 11214902). This variant has an extremely low allele frequency (0.000004064) in gnomAD (PM2). This variant induces post-transcriptional skipping of exon 11 (PS3; PMID: 11214902). This variant was detected in trans with R408W (Pathogenic in ClinVar) (PM3; PMID: 11214902). In summary, this variant meets criteria to be classified as pathogenic for PAH. PAH-specific ACMG/AMP criteria applied: PP4_Moderate

Labcorp Genetics (formerly Invitae), Labcorp
Classification: Pathogenic for Phenylketonuria. Last evaluated: 2025-12-16. Review status: criteria provided, single submitter. Criteria: Invitae Variant Classification Sherloc (09022015). Collection method: clinical testing. Allele origin: germline. Not counted in ClinVar's aggregate classification.
Comment: This sequence change affects codon 399 of the PAH mRNA. It is a 'silent' change, meaning that it does not change the encoded amino acid sequence of the PAH protein. This variant is present in population databases (rs199475584, gnomAD 0.006%). This variant has been observed in individual(s) with hyperphenylalaninemia (PMID: 24401910, 27264808). In at least one individual the data is consistent with being in trans (on the opposite chromosome) from a pathogenic variant. ClinVar contains an entry for this variant (Variation ID: 601). Algorithms developed to predict the effect of sequence changes on RNA splicing suggest that this variant may disrupt the consensus splice site. For these reasons, this variant has been classified as Pathogenic.

Natera, Inc.
Classification: Pathogenic for Phenylketonuria. Last evaluated: 2025-10-06. Review status: criteria provided, single submitter. Criteria: Natera Variant Classification Schema (03/2026). Collection method: clinical testing. Allele origin: germline. Not counted in ClinVar's aggregate classification.
Comment: The c.1197A>T variant in PAH is a synonymous variant that does not alter the encoded amino acid at position 399 (p.V399=). This variant is rare in the general population with a frequency below the threshold expected for the associated phenotype(s). This variant has been observed in one or more individuals affected with the associated recessive disease, as either homozygous or compound heterozygous with a second variant (PMID: 30050108). Given the available evidence, this variant is classified as Pathogenic.

Women's Health and Genetics/Laboratory Corporation of America, LabCorp
Classification: Pathogenic for Phenylketonuria. Last evaluated: 2025-03-04. Review status: criteria provided, single submitter. Criteria: LabCorp Variant Classification Summary - May 2015. Collection method: clinical testing. Allele origin: germline. Not counted in ClinVar's aggregate classification.
Comment: Variant summary: PAH c.1197A>T (p.Val399Val) alters a nucleotide located close to a canonical splice site and therefore could affect mRNA splicing, leading to a significantly altered protein sequence. At least one publication reports experimental evidence that this variant affects mRNA splicing. The variant allele was found at a frequency of 6.4e-05 in 251910 control chromosomes. This frequency is not significantly higher than estimated for a pathogenic variant in PAH causing Phenylalanine Hydroxylase Deficiency (Phenylketonuria) (6.4e-05 vs 0.0079), allowing no conclusion about variant significance. c.1197A>T has been reported in the literature in multiple individuals affected with Phenylalanine Hydroxylase Deficiency (Phenylketonuria). These data indicate that the variant is very likely to be associated with disease. At least one publication reports experimental evidence evaluating an impact on protein function. The most pronounced variant effect results in <10% of normal activity. ClinVar contains an entry for this variant (Variation ID: 601). Based on the evidence outlined above, the variant was classified as pathogenic.

Blueprint Genetics
Classification: Pathogenic for PAH-related disorders. Last evaluated: 2022-09-02. Review status: criteria provided, single submitter. Criteria: ACMG Guidelines, 2015. Collection method: clinical testing. Allele origin: germline. Affected: yes. Observed: 2 variant alleles. Not counted in ClinVar's aggregate classification.

Fulgent Genetics
Classification: Pathogenic for Phenylketonuria. Last evaluated: 2022-04-11. Review status: criteria provided, single submitter. Criteria: ACMG Guidelines, 2015. Collection method: clinical testing. Allele origin: unknown. Not counted in ClinVar's aggregate classification.

GeneDx
Classification: Pathogenic. Last evaluated: 2022-01-14. Review status: criteria provided, single submitter. Criteria: GeneDx Variant Classification Process June 2021. Collection method: clinical testing. Allele origin: germline. Affected: yes. Not counted in ClinVar's aggregate classification.
Comment: Published functional studies demonstrates this variant leads to skipping of exon 11 and decreased PAH activity (Chao et al., 2001; Liang et al., 2014); Not observed at significant frequency in large population cohorts (gnomAD); This variant is associated with the following publications: (PMID: 23225039, 25550961, 19199246, 9949232, 7893121, 24705691, 22333022, 17557229, 20140859, 11214902, 26503515, 16825284, 23932990, 19915519, 14722928, 27173423, 20017307, 29317692, 30747360, 30275481, 27264808, 29499199, 31355225, 1997387, 23271928, 32668217, 25894915, 24401910)

Eurofins Ntd Llc (ga)
Classification: Pathogenic. Last evaluated: 2017-05-18. Review status: criteria provided, single submitter. Criteria: EGL Classification Definitions 2015. Collection method: clinical testing. Allele origin: germline. Observed: 1 variant allele, 1 heterozygote. Not counted in ClinVar's aggregate classification.

Juno Genomics, Hangzhou Juno Genomics, Inc
Classification: Pathogenic for Phenylketonuria. Review status: criteria provided, single submitter. Criteria: ACMG Guidelines, 2015. Collection method: clinical testing. Allele origin: germline. Affected: yes. Not counted in ClinVar's aggregate classification.
Comment: Absent from controls (or at extremely low frequency if recessive) in Genome Aggregation Database.;Null variant in a gene where loss of function (LOF) is a known mechanism of disease.;For recessive disorders, detected in trans with a pathogenic variant.;Patient's phenotype or family history is highly specific for a disease with a single genetic etiology.

Counsyl
Classification: Pathogenic for Phenylketonuria. Last evaluated: 2015-03-19. Review status: no assertion criteria provided. Collection method: clinical testing. Allele origin: unknown. Not counted in ClinVar's aggregate classification.

OMIM
Classification: Pathogenic for PHENYLKETONURIA. Last evaluated: 2001-01-01. Review status: no assertion criteria provided. Collection method: literature only. Allele origin: germline. Not counted in ClinVar's aggregate classification.

DeBelle Laboratory for Biochemical Genetics, MUHC/MCH RESEARCH INSTITUTE
No classification provided. Review status: no classification provided. Collection method: not provided. Allele origin: not provided. Not counted in ClinVar's aggregate classification.

Literature cited by the submitters: PubMed 23271928 (cited by ClinGen PAH Variant Curation Expert Panel); PubMed 11214902 (cited by 5 submitters); PubMed 24401910 (cited by Labcorp Genetics (formerly Invitae), Labcorp and Women's Health and Genetics/Laboratory Corporation of America, LabCorp); PubMed 27264808 (cited by Labcorp Genetics (formerly Invitae), Labcorp); PubMed 30050108 (cited by Natera, Inc.); PubMed 1997387 (cited by 3 submitters); PubMed 22333022 (cited by Women's Health and Genetics/Laboratory Corporation of America, LabCorp); PubMed 19915519 (cited by Women's Health and Genetics/Laboratory Corporation of America, LabCorp); PubMed 22698810 (cited by Eurofins Ntd Llc (ga)); PubMed 24705691 (cited by Eurofins Ntd Llc (ga)); PubMed 26503515 (cited by Eurofins Ntd Llc (ga)); PubMed 20017307 (cited by Counsyl); PubMed 20140859 (cited by Counsyl); PubMed 23932990 (cited by Counsyl); PubMed 21462123 (cited by Counsyl); PubMed 9949232 (cited by Counsyl); PubMed 14722928 (cited by Counsyl); PubMed 19147918 (cited by Counsyl); PubMed 19099685 (cited by Counsyl); PubMed 21154324 (cited by Counsyl); PubMed 21811977 (cited by Counsyl); PubMed 23225039 (cited by Counsyl).

NM_000277.3(PAH):c.1197A>T (p.Val399=)

Gene: PAH (phenylalanine hydroxylase; minus strand). Cytogenetic location: 12q23.2.
Variant type: single nucleotide variant.
Coding change: c.1197A>T on transcript NM_000277.3 (MANE Select); coding-DNA position 1197, A replaced by T.
Protein change: p.Val399=; no amino-acid change (valine 399 retained).
Molecular consequence: synonymous variant.
Genome position (GRCh38, 1-based): chr12:102,843,648, T>A on the plus strand (A>T on the coding strand, the complement: PAH is on the minus strand). VCF-style: chr12-102843648-T-A. GRCh37 (hg19) VCF-style: chr12-103237426-T-A.
Other names: NM_000277.1(PAH):c.1197A>T; 1197A-T; c.1197A>T, p.Val399= (NM_001354304.2); c.1197A>T (NM_000277.2).
Identifiers: ClinVar variation 601 (VCV000000601.109), dbSNP rs199475584, ClinGen allele CA229379.
Genomic context (GRCh38, chr12:102,843,648, plus strand): 5'-GAGTGGCACCAGTCAGGAGGCCCCCAGAGCTAGTGGCTCACCTTTGTCACCACCTCACCT[T>A]ACTTTCTCCTTGGCATCATTAAAACTCTCTGCCACGTAATAGAGGGGCTGGAACTCCGTG-3'
Protein context (NP_000268.1, residues 389-409): AESFNDAKEK[Val399=]RNFAATIPRP